The following is an entry in ClinVar:

NM_018685.5(ANLN):c.444A>C (p.Lys148Asn)

Gene: ANLN (anillin, actin binding protein; plus strand). Cytogenetic location: 7p14.2.
Variant type: single nucleotide variant.
Coding change: c.444A>C on transcript NM_018685.5 (MANE Select); coding-DNA position 444, A replaced by C.
Protein change: p.Lys148Asn; replaces lysine 148 with asparagine.
Molecular consequence: missense variant.
Genome position (GRCh38, 1-based): chr7:36,399,350, A>C. VCF-style: chr7-36399350-A-C. GRCh37 (hg19) VCF-style: chr7-36438959-A-C.
Other names: c.444A>C, p.Lys148Asn (NM_001284301.3, NM_001284302.3); short protein forms K148N.
Identifiers: ClinVar variation 1347865 (VCV001347865.8), dbSNP rs1786843133, ClinGen allele CA367204757.

ClinVar aggregate classification (germline): Uncertain significance (1 of 4 stars; one submission).

Allele frequency attached by ClinVar (database versions not stated): TOPMed below 0.00001.

Submission:

Labcorp Genetics (formerly Invitae), Labcorp
Classification: Uncertain significance. Last evaluated: 2023-07-17. Review status: criteria provided, single submitter. Criteria: Invitae Variant Classification Sherloc (09022015). Collection method: clinical testing. Allele origin: germline.
Comment: In summary, the available evidence is currently insufficient to determine the role of this variant in disease. Therefore, it has been classified as a Variant of Uncertain Significance. An algorithm developed to predict the effect of missense changes on protein structure and function (PolyPhen-2) suggests that this variant is likely to be tolerated. ClinVar contains an entry for this variant (Variation ID: 1347865). This variant has not been reported in the literature in individuals affected with ANLN-related conditions. This variant is not present in population databases (gnomAD no frequency). This sequence change replaces lysine, which is basic and polar, with asparagine, which is neutral and polar, at codon 148 of the ANLN protein (p.Lys148Asn).